The following is an entry in ClinVar:

NM_001127222.2(CACNA1A):c.125C>T (p.Pro42Leu)

Gene: CACNA1A (calcium voltage-gated channel subunit alpha1 A; minus strand). Cytogenetic location: 19p13.13.
Variant type: single nucleotide variant.
Coding change: c.125C>T on transcript NM_001127222.2 (MANE Select); coding-DNA position 125, C replaced by T.
Protein change: p.Pro42Leu; replaces proline 42 with leucine.
Molecular consequence: missense variant.
Genome position (GRCh38, 1-based): chr19:13,506,100, G>A on the plus strand (C>T on the coding strand, the complement: CACNA1A is on the minus strand). VCF-style: chr19-13506100-G-A. GRCh37 (hg19) VCF-style: chr19-13616914-G-A.
Other names: c.125C>T, p.Pro42Leu (NM_000068.4, NM_001127221.2, NM_001174080.2 and 1 more transcripts); short protein forms P42L.
Identifiers: ClinVar variation 3754175 (VCV003754175.2).

ClinVar aggregate classification (germline): Uncertain significance (1 of 4 stars; one submission).

Conditions:
Episodic ataxia type 2 (EA2). Also called: ATAXIA, EPISODIC, WITH NYSTAGMUS; ATAXIA, FAMILIAL PAROXYSMAL; ACETAZOLAMIDE-RESPONSIVE HEREDITARY PAROXYSMAL CEREBELLAR ATAXIA; CEREBELLAR ATAXIA, PAROXYSMAL, ACETAZOLAMIDE-RESPONSIVE; CEREBELLOPATHY, HEREDITARY PAROXYSMAL; EPISODIC ATAXIA, NYSTAGMUS-ASSOCIATED. Identifiers: Orphanet 97, MedGen C1720416, MONDO:0007163, OMIM 108500.
Developmental and epileptic encephalopathy, 42 (DEE42A). Also called: Epileptic encephalopathy, early infantile, 42; DEVELOPMENTAL AND EPILEPTIC ENCEPHALOPATHY 42A; EPILEPTIC ENCEPHALOPATHY, EARLY INFANTILE, 42A. Identifiers: MedGen C4310716, MONDO:0014917, OMIM 617106.

Submission:

Labcorp Genetics (formerly Invitae), Labcorp
Classification: Uncertain significance for Developmental and epileptic encephalopathy, 42; Episodic ataxia type 2. Last evaluated: 2024-06-17. Review status: criteria provided, single submitter. Criteria: Invitae Variant Classification Sherloc (09022015). Collection method: clinical testing. Allele origin: germline.
Comment: This sequence change replaces proline, which is neutral and non-polar, with leucine, which is neutral and non-polar, at codon 42 of the CACNA1A protein (p.Pro42Leu). This variant is not present in population databases (gnomAD no frequency). This variant has not been reported in the literature in individuals affected with CACNA1A-related conditions. Advanced modeling of protein sequence and biophysical properties (such as structural, functional, and spatial information, amino acid conservation, physicochemical variation, residue mobility, and thermodynamic stability) has been performed at Invitae for this missense variant, however the output from this modeling did not meet the statistical confidence thresholds required to predict the impact of this variant on CACNA1A protein function. In summary, the available evidence is currently insufficient to determine the role of this variant in disease. Therefore, it has been classified as a Variant of Uncertain Significance.